The following is an entry in ClinVar:

NM_003247.5(THBS2):c.1584C>T (p.Tyr528=)

Genes: THBS2 (thrombospondin 2; minus strand), THBS2-AS1 (THBS2 antisense RNA 1; plus strand). Cytogenetic location: 6q27.
Variant type: single nucleotide variant.
Coding change: c.1584C>T on transcript NM_003247.5 (MANE Select); coding-DNA position 1584, C replaced by T.
Protein change: p.Tyr528=; no amino-acid change (tyrosine 528 retained).
Molecular consequence: synonymous variant. On other transcripts: non-coding transcript variant (2), intron variant (1).
Genome position (GRCh38, 1-based): chr6:169,234,801, G>A on the plus strand (C>T on the coding strand, the complement: THBS2 is on the minus strand). VCF-style: chr6-169234801-G-A. GRCh37 (hg19) VCF-style: chr6-169634896-G-A.
Other names: c.1584C>T, p.Tyr528= (NM_001381940.1); c.1353C>T, p.Tyr451= (NM_001381942.1); c.1478-1784C>T (NM_001381939.1).
Identifiers: ClinVar variation 3056067 (VCV003056067.2), dbSNP rs34987335, ClinGen allele CA4103240.

ClinVar aggregate classification (germline): Benign (0 of 4 stars; one submission).

Conditions:
THBS2-related disorder. Also called: THBS2-related condition.

Allele frequency attached by ClinVar (database versions not stated): 1000 Genomes Project 0.01577; 1000 Genomes Project 30x 0.01577; TOPMed 0.03603; gnomAD 0.03616; ExAC 0.03628; ESP Exome Variant Server 0.04160; gnomAD exomes 0.04897.
gnomAD v4.1: 76,855 of 1,612,842 alleles (4.8%); highest among the groups gnomAD compares: Non-Finnish European, 5.6%; 2,053 homozygotes.

Submission:

PreventionGenetics, part of Exact Sciences
Classification: Benign for THBS2-related condition. Last evaluated: 2019-07-23. Review status: no assertion criteria provided. Collection method: clinical testing. Allele origin: germline.
Comment: This variant is classified as benign based on ACMG/AMP sequence variant interpretation guidelines (Richards et al. 2015 PMID: 25741868, with internal and published modifications).